The following is an entry in ClinVar:

NM_001370466.1(NOD2):c.323A>G (p.Gln108Arg)

Gene: NOD2 (nucleotide binding oligomerization domain containing 2; plus strand). Cytogenetic location: 16q12.1.
Variant type: single nucleotide variant.
Coding change: c.323A>G on transcript NM_001370466.1 (MANE Select); coding-DNA position 323, A replaced by G.
Protein change: p.Gln108Arg; replaces glutamine 108 with arginine.
Molecular consequence: missense variant. On other transcripts: non-coding transcript variant (1).
Genome position (GRCh38, 1-based): chr16:50,699,818, A>G. VCF-style: chr16-50699818-A-G. GRCh37 (hg19) VCF-style: chr16-50733729-A-G.
Other names: p.Gln135Arg; c.323A>G, p.Gln108Arg (NM_001293557.2); c.404A>G, p.Gln135Arg (NM_022162.3); short protein forms Q108R, Q135R.
Identifiers: ClinVar variation 1410907 (VCV001410907.7), dbSNP rs770240116, ClinGen allele CA8051271.
Genomic context (GRCh38, chr16:50,699,818, plus strand): 5'-AGTCCCCCAAGCTGCATGGCTGCTGGGACCCCCACTCGCTCCACCCAGCCCGAGACCTGC[A>G]GAGTCACCGGCCAGCCATTGTCAGGAGGCTCCACAGCCATGTGGAGAACATGCTGGACCT-3'
Protein context (NP_001357395.1, residues 98-118): PHSLHPARDL[Gln108Arg]SHRPAIVRRL

ClinVar aggregate classification (germline): Uncertain significance. Review status: criteria provided, multiple submitters, no conflicts (2 of 4 stars). 2 submissions from 2 submitters: Uncertain significance (2). Last evaluated 2025-12-04.

Conditions:
Regional enteritis. Also called: Enteritis, Granulomatous. Identifiers: MedGen C0678202, MeSH D003424.
Blau syndrome (BLAUS). Also called: ARTHROCUTANEOUVEAL GRANULOMATOSIS; GRANULOMATOSIS, FAMILIAL JUVENILE SYSTEMIC; GRANULOMATOSIS, FAMILIAL, BLAU TYPE; GRANULOMATOUS INFLAMMATORY ARTHRITIS, DERMATITIS, AND UVEITIS, FAMILIAL; JABS SYNDROME. Identifiers: Orphanet 90340, MedGen C5201146, MONDO:0008523, OMIM 186580.

Allele frequency attached by ClinVar (database versions not stated): TOPMed below 0.00001; ExAC 0.00001; gnomAD 0.00001; gnomAD exomes 0.00001.
gnomAD v4.1: 9 of 1,613,558 alleles (0.00056%); highest among the groups gnomAD compares: Non-Finnish European, 0.00076%; no homozygotes.

Submissions (2):

Mayo Clinic Laboratories, Mayo Clinic
Classification: Uncertain significance. Last evaluated: 2025-12-04. Review status: criteria provided, single submitter. Criteria: ACMG Guidelines, 2015. Collection method: clinical testing. Allele origin: germline. Observed: 1 variant allele.
Comment: BP4_moderate

Labcorp Genetics (formerly Invitae), Labcorp
Classification: Uncertain significance for Regional enteritis; Blau syndrome. Last evaluated: 2022-09-19. Review status: criteria provided, single submitter. Criteria: Invitae Variant Classification Sherloc (09022015). Collection method: clinical testing. Allele origin: germline.
Comment: This sequence change replaces glutamine, which is neutral and polar, with arginine, which is basic and polar, at codon 135 of the NOD2 protein (p.Gln135Arg). This variant is present in population databases (rs770240116, gnomAD 0.003%). This variant has not been reported in the literature in individuals affected with NOD2-related conditions. ClinVar contains an entry for this variant (Variation ID: 1410907). Advanced modeling of protein sequence and biophysical properties (such as structural, functional, and spatial information, amino acid conservation, physicochemical variation, residue mobility, and thermodynamic stability) performed at Invitae indicates that this missense variant is not expected to disrupt NOD2 protein function. In summary, the available evidence is currently insufficient to determine the role of this variant in disease. Therefore, it has been classified as a Variant of Uncertain Significance.